The following is an entry in ClinVar:

ClinVar aggregate classification (germline): Benign. Review status: criteria provided, multiple submitters, no conflicts (2 of 4 stars). 12 submissions from 12 submitters: Benign (9). 3 of the submissions do not count toward it. Last evaluated 2026-02-02.

Conditions:
Schizencephaly. Identifiers: Orphanet 799, MedGen C0266484, MONDO:0010011, OMIM 269160, HP:0010636.
Holoprosencephaly 2 (HPE2). Identifiers: Orphanet 2162, MedGen C1834877, MONDO:0007999, OMIM 157170.

Allele frequency attached by ClinVar (database versions not stated): gnomAD exomes 0.02002; ESP Exome Variant Server 0.02929; ExAC 0.02145; 1000 Genomes Project 30x 0.02592; 1000 Genomes Project 0.02676; gnomAD 0.02708; TOPMed 0.02735.

Submissions (12):

Labcorp Genetics (formerly Invitae), Labcorp
Classification: Benign for Holoprosencephaly 2. Last evaluated: 2026-02-02. Review status: criteria provided, single submitter. Criteria: Invitae Variant Classification Sherloc (09022015). Collection method: clinical testing. Allele origin: germline.

Blueprint Genetics
Classification: Benign. Last evaluated: 2024-11-26. Review status: criteria provided, single submitter. Criteria: ACMG Guidelines, 2015. Collection method: clinical testing. Allele origin: germline.

CeGaT Center for Human Genetics Tuebingen
Classification: Benign. Last evaluated: 2024-07-01. Review status: criteria provided, single submitter. Criteria: CeGaT Center For Human Genetics Tuebingen Variant Classification Criteria Version 2. Collection method: clinical testing. Allele origin: germline. Affected: yes. Observed: 14 variant alleles.
Comment: SIX3: BP4, BP7, BS1, BS2

ARUP Laboratories, Molecular Genetics and Genomics, ARUP Laboratories
Classification: Benign. Last evaluated: 2023-10-13. Review status: criteria provided, single submitter. Criteria: ARUP Molecular Germline Variant Investigation Process 2024. Collection method: clinical testing. Allele origin: germline.

Fulgent Genetics
Classification: Benign for Holoprosencephaly 2; Schizencephaly. Last evaluated: 2021-10-05. Review status: criteria provided, single submitter. Criteria: ACMG Guidelines, 2015. Collection method: clinical testing. Allele origin: unknown.

Athena Diagnostics
Classification: Benign. Last evaluated: 2017-10-25. Review status: criteria provided, single submitter. Criteria: Athena Diagnostics Criteria. Collection method: clinical testing. Allele origin: germline.

GeneDx
Classification: Benign. Last evaluated: 2015-03-03. Review status: criteria provided, single submitter. Criteria: GeneDx Variant Classification Process June 2021. Collection method: clinical testing. Allele origin: germline. Affected: yes.
Comment: This variant is associated with the following publications: (PMID: 32022405)

Breakthrough Genomics
Classification: Benign. Review status: criteria provided, single submitter. Criteria: ACMG Guidelines, 2015. Collection method: not provided. Allele origin: germline. Inheritance: Autosomal dominant inheritance. Affected: yes.

PreventionGenetics, part of Exact Sciences
Classification: Benign. Review status: criteria provided, single submitter. Criteria: ACMG Guidelines, 2015. Collection method: clinical testing. Allele origin: germline.

GeneReviews
Classification: Benign for Holoprosencephaly. Last evaluated: 2013-08-29. Review status: no assertion criteria provided. Collection method: curation. Allele origin: unknown. Not counted in ClinVar's aggregate classification.
ClinVar note: Converted during submission from non-pathogenic to Benign.

Clinical Genetics DNA and cytogenetics Diagnostics Lab, Erasmus MC, Erasmus Medical Center
Classification: Benign. Review status: no assertion criteria provided. Collection method: clinical testing. Allele origin: germline. Affected: yes. Study: VKGL Data-share Consensus. Not counted in ClinVar's aggregate classification.

Joint Genome Diagnostic Labs from Nijmegen and Maastricht, Radboudumc and MUMC+
Classification: Benign. Review status: no assertion criteria provided. Collection method: clinical testing. Allele origin: germline. Affected: yes. Study: VKGL Data-share Consensus. Not counted in ClinVar's aggregate classification.

NM_005413.4(SIX3):c.576C>T (p.Arg192=)

Gene: SIX3 (SIX homeobox 3; plus strand). Cytogenetic location: 2p21.
Variant type: single nucleotide variant.
Coding change: c.576C>T on transcript NM_005413.4 (MANE Select); coding-DNA position 576, C replaced by T.
Protein change: p.Arg192=; no amino-acid change (arginine 192 retained).
Molecular consequence: synonymous variant.
Genome position (GRCh38, 1-based): chr2:44,942,680, C>T. VCF-style: chr2-44942680-C-T. GRCh37 (hg19) VCF-style: chr2-45169819-C-T.
Other names: 576C>T.
Identifiers: ClinVar variation 65500 (VCV000065500.59), dbSNP rs182881, ClinGen allele CA344812.